The following is an entry in ClinVar:

ClinVar aggregate classification (germline): Uncertain significance (1 of 4 stars; one submission).

Conditions:
Progressive sclerosing poliodystrophy (MTDPS4A). Also called: ALPERS PROGRESSIVE INFANTILE POLIODYSTROPHY; ALPERS DIFFUSE DEGENERATION OF CEREBRAL GRAY MATTER WITH HEPATIC CIRRHOSIS; Alpers-Huttenlocher Syndrome; NEURONAL DEGENERATION OF CHILDHOOD WITH LIVER DISEASE, PROGRESSIVE; Alpers Syndrome; Mitochondrial DNA Depletion Syndrome 4A. Identifiers: Orphanet 726, MedGen C0205710, MONDO:0008758, OMIM 203700.

Allele frequency attached by ClinVar (database versions not stated): TOPMed below 0.00001.

Submission:

Labcorp Genetics (formerly Invitae), Labcorp
Classification: Uncertain significance for Progressive sclerosing poliodystrophy. Last evaluated: 2026-01-19. Review status: criteria provided, single submitter. Criteria: Invitae Variant Classification Sherloc (09022015). Collection method: clinical testing. Allele origin: germline.
Comment: This sequence change replaces glutamine, which is neutral and polar, with arginine, which is basic and polar, at codon 323 of the POLG protein (p.Gln323Arg). This variant is not present in population databases (gnomAD no frequency). This variant has not been reported in the literature in individuals affected with POLG-related conditions. ClinVar contains an entry for this variant (Variation ID: 1009036). Invitae Evidence Modeling of protein sequence and biophysical properties (such as structural, functional, and spatial information, amino acid conservation, physicochemical variation, residue mobility, and thermodynamic stability) indicates that this missense variant is not expected to disrupt POLG protein function with a negative predictive value of 95%. In summary, the available evidence is currently insufficient to determine the role of this variant in disease. Therefore, it has been classified as a Variant of Uncertain Significance.

NM_002693.3(POLG):c.968A>G (p.Gln323Arg)

Gene: POLG (DNA polymerase gamma, catalytic subunit; minus strand). Cytogenetic location: 15q26.1.
Variant type: single nucleotide variant.
Coding change: c.968A>G on transcript NM_002693.3 (MANE Select); coding-DNA position 968, A replaced by G.
Protein change: p.Gln323Arg; replaces glutamine 323 with arginine.
Molecular consequence: missense variant.
Genome position (GRCh38, 1-based): chr15:89,328,998, T>C on the plus strand (A>G on the coding strand, the complement: POLG is on the minus strand). VCF-style: chr15-89328998-T-C. GRCh37 (hg19) VCF-style: chr15-89872229-T-C.
Other names: c.968A>G, p.Gln323Arg (NM_001126131.2); short protein forms Q323R.
Identifiers: ClinVar variation 1009036 (VCV001009036.9), dbSNP rs2055560405, ClinGen allele CA393765578.